The following is an entry in ClinVar:

ClinVar aggregate classification (germline): Uncertain significance. Review status: criteria provided, multiple submitters, no conflicts (2 of 4 stars). 2 submissions from 2 submitters: Uncertain significance (2). Last evaluated 2025-08-02.

Conditions:
Autosomal recessive ataxia, Beauce type. Also called: ATAXIA, RECESSIVE, OF BEAUCE; Spinocerebellar ataxia, autosomal recessive 8; SYNE1-Related Autosomal Recessive Cerebellar Ataxia; SYNE1 Deficiency. Identifiers: Orphanet 88644, MedGen C1853116, MONDO:0012549, OMIM 610743.
Emery-Dreifuss muscular dystrophy 4, autosomal dominant (EDMD4). Also called: EMERY-DREIFUSS MUSCULAR DYSTROPHY 4 WITH VARIABLE FEATURES. Identifiers: Orphanet 261, MedGen C2751807, MONDO:0013071, OMIM 612998.

gnomAD v4.1: 9 of 1,613,722 alleles (0.00056%); highest among the groups gnomAD compares: Non-Finnish European, 0.00076%; no homozygotes.

Submissions (2):

Mayo Clinic Laboratories, Mayo Clinic
Classification: Uncertain significance. Last evaluated: 2025-08-02. Review status: criteria provided, single submitter. Criteria: ACMG Guidelines, 2015. Collection method: clinical testing. Allele origin: germline. Observed: 1 variant allele.

Labcorp Genetics (formerly Invitae), Labcorp
Classification: Uncertain significance for Emery-Dreifuss muscular dystrophy 4, autosomal dominant; Autosomal recessive ataxia, Beauce type. Last evaluated: 2022-06-27. Review status: criteria provided, single submitter. Criteria: Invitae Variant Classification Sherloc (09022015). Collection method: clinical testing. Allele origin: germline.
Comment: ClinVar contains an entry for this variant (Variation ID: 999638). Algorithms developed to predict the effect of missense changes on protein structure and function (SIFT, PolyPhen-2, Align-GVGD) all suggest that this variant is likely to be disruptive. In summary, the available evidence is currently insufficient to determine the role of this variant in disease. Therefore, it has been classified as a Variant of Uncertain Significance. This variant has not been reported in the literature in individuals affected with SYNE1-related conditions. This sequence change replaces lysine, which is basic and polar, with arginine, which is basic and polar, at codon 7003 of the SYNE1 protein (p.Lys7003Arg). This variant is present in population databases (rs749981989, gnomAD 0.0009%).

NM_182961.4(SYNE1):c.21221A>G (p.Lys7074Arg)

Gene: SYNE1 (spectrin repeat containing nuclear envelope protein 1; minus strand). Cytogenetic location: 6q25.2.
Variant type: single nucleotide variant.
Coding change: c.21221A>G on transcript NM_182961.4 (MANE Select); coding-DNA position 21221, A replaced by G.
Protein change: p.Lys7074Arg; replaces lysine 7074 with arginine.
Molecular consequence: missense variant.
Genome position (GRCh38, 1-based): chr6:152,225,851, T>C on the plus strand (A>G on the coding strand, the complement: SYNE1 is on the minus strand). VCF-style: chr6-152225851-T-C. GRCh37 (hg19) VCF-style: chr6-152546986-T-C.
Other names: p.Lys7003Arg; c.21008A>G, p.Lys7003Arg (NM_033071.5); c.21008A>G (NM_033071.3); short protein forms K7003R, K7074R.
Identifiers: ClinVar variation 999638 (VCV000999638.11), dbSNP rs749981989, ClinGen allele CA4054215.
Genomic context (GRCh38, chr6:152,225,851, plus strand): 5'-TCTTTCTTGTTCTGAATCAAAGCAAGTCCATTCTGCTCAATTTTCTCTACTTCTTTTTCT[T>C]TTGCTTTAATCAAATCTTCCAGATCCTGAAAGATTTAAAAAATAGTCACTTTAAATTGTT-3'
Protein context (NP_892006.3, residues 7064-7084): CQDLEDLIKA[Lys7074Arg]EKEVEKIEQN